The following is an entry in ClinVar:

ClinVar aggregate classification (germline): Uncertain significance (1 of 4 stars; one submission).

Conditions:
Nemaline myopathy 8 (NEM8). Also called: Nemaline myopathy 8, autosomal recessive. Identifiers: Orphanet 171430, MedGen C3809209, MONDO:0014138, OMIM 615348.

Allele frequency attached by ClinVar (database versions not stated): gnomAD exomes below 0.00001; TOPMed 0.00001; gnomAD 0.00002.

Submission:

Labcorp Genetics (formerly Invitae), Labcorp
Classification: Uncertain significance for Nemaline myopathy 8. Last evaluated: 2020-04-21. Review status: criteria provided, single submitter. Criteria: Invitae Variant Classification Sherloc (09022015). Collection method: clinical testing. Allele origin: germline.
Comment: In summary, the available evidence is currently insufficient to determine the role of this variant in disease. Therefore, it has been classified as a Variant of Uncertain Significance. Algorithms developed to predict the effect of missense changes on protein structure and function are either unavailable or do not agree on the potential impact of this missense change (SIFT: "Deleterious"; PolyPhen-2: "Benign"; Align-GVGD: "Class C0"). This variant has not been reported in the literature in individuals with KLHL40-related conditions. This variant is not present in population databases (ExAC no frequency). This sequence change replaces tyrosine with histidine at codon 453 of the KLHL40 protein (p.Tyr453His). The tyrosine residue is moderately conserved and there is a moderate physicochemical difference between tyrosine and histidine.

NM_152393.4(KLHL40):c.1357T>C (p.Tyr453His)

Gene: KLHL40 (kelch like family member 40; plus strand). Cytogenetic location: 3p22.1.
Variant type: single nucleotide variant.
Coding change: c.1357T>C on transcript NM_152393.4 (MANE Select); coding-DNA position 1357, T replaced by C.
Protein change: p.Tyr453His; replaces tyrosine 453 with histidine.
Molecular consequence: missense variant.
Genome position (GRCh38, 1-based): chr3:42,688,653, T>C. VCF-style: chr3-42688653-T-C. GRCh37 (hg19) VCF-style: chr3-42730145-T-C.
Other names: short protein forms Y453H.
Identifiers: ClinVar variation 1005705 (VCV001005705.3), dbSNP rs1305175995, ClinGen allele CA352293829.